The following is an entry in ClinVar:

ClinVar aggregate classification (germline): Uncertain significance (1 of 4 stars; one submission).

Conditions:
Hereditary cancer-predisposing syndrome. Also called: Hereditary neoplastic syndrome; Neoplastic Syndromes, Hereditary; Tumor predisposition; Hereditary Cancer Syndrome. Identifiers: Orphanet 140162, MedGen C0027672, MeSH D009386, MONDO:0015356.

Submission:

Ambry Genetics
Classification: Uncertain significance for Hereditary cancer-predisposing syndrome. Last evaluated: 2025-03-06. Review status: criteria provided, single submitter. Criteria: Ambry Variant Classification Scheme 2023. Collection method: clinical testing. Allele origin: germline.
Comment: The p.F633C variant (also known as c.1898T>G), located in coding exon 9 of the BARD1 gene, results from a T to G substitution at nucleotide position 1898. The phenylalanine at codon 633 is replaced by cysteine, an amino acid with highly dissimilar properties. This amino acid position is highly conserved in available vertebrate species. In addition, this alteration is predicted to be deleterious by in silico analysis. Based on the available evidence, the clinical significance of this variant remains unclear.

NM_000465.4(BARD1):c.1898T>G (p.Phe633Cys)

Gene: BARD1 (BRCA1 associated RING domain 1; minus strand). Cytogenetic location: 2q35.
Variant type: single nucleotide variant.
Coding change: c.1898T>G on transcript NM_000465.4 (MANE Select); coding-DNA position 1898, T replaced by G.
Protein change: p.Phe633Cys; replaces phenylalanine 633 with cysteine.
Molecular consequence: missense variant. On other transcripts: non-coding transcript variant (3), intron variant (1).
Genome position (GRCh38, 1-based): chr2:214,745,072, A>C on the plus strand (T>G on the coding strand, the complement: BARD1 is on the minus strand). VCF-style: chr2-214745072-A-C. GRCh37 (hg19) VCF-style: chr2-215609796-A-C.
Other names: c.1841T>G, p.Phe614Cys (NM_001282543.2); c.545T>G, p.Phe182Cys (NM_001282545.2); c.488T>G, p.Phe163Cys (NM_001282548.2); c.365-14564T>G (NM_001282549.2); short protein forms F163C, F633C, F182C, F614C.
Identifiers: ClinVar variation 3820631 (VCV003820631.1).